The following is an entry in ClinVar:

NM_018297.4(NGLY1):c.247-1G>A

Gene: NGLY1 (N-glycanase 1; minus strand). Cytogenetic location: 3p24.2.
Variant type: single nucleotide variant.
Coding change: c.247-1G>A on transcript NM_018297.4 (MANE Select); the canonical splice acceptor site of the intron before coding-DNA position 247, G replaced by A.
Molecular consequence: splice acceptor variant.
Genome position (GRCh38, 1-based): chr3:25,764,312, C>T on the plus strand (G>A on the coding strand, the complement: NGLY1 is on the minus strand). VCF-style: chr3-25764312-C-T. GRCh37 (hg19) VCF-style: chr3-25805803-C-T.
Other names: c.121-1G>A (NM_001145294.2); c.247-1G>A (NM_001145295.2, NM_001145293.2).
Identifiers: ClinVar variation 642606 (VCV000642606.8), dbSNP rs1575650389, ClinGen allele CA351909848.
Genomic context (GRCh38, chr3:25,764,312, plus strand): 5'-ACGAATTTTTTGCAGCTGCTCCACTGAAGCTTTTTTAGGAAAGATGAGATGTGTTTCTCC[C>T]TGGAATTTATAAAATTAAAAAAAATGTGAACCTTTGCTTTATGCAGTCATTCTTTTGTGC-3'

ClinVar aggregate classification (germline): Pathogenic (1 of 4 stars; one submission).

Conditions:
Congenital disorder of deglycosylation (CDDG). Identifiers: MedGen C3808991, MONDO:0031376.

Submission:

Labcorp Genetics (formerly Invitae), Labcorp
Classification: Pathogenic for Congenital disorder of deglycosylation. Last evaluated: 2022-02-24. Review status: criteria provided, single submitter. Criteria: Invitae Variant Classification Sherloc (09022015). Collection method: clinical testing. Allele origin: germline.
Comment: ClinVar contains an entry for this variant (Variation ID: 642606). Algorithms developed to predict the effect of sequence changes on RNA splicing suggest that this variant may disrupt the consensus splice site. For these reasons, this variant has been classified as Pathogenic. This sequence change affects an acceptor splice site in intron 2 of the NGLY1 gene. It is expected to disrupt RNA splicing. Variants that disrupt the donor or acceptor splice site typically lead to a loss of protein function (PMID: 16199547), and loss-of-function variants in NGLY1 are known to be pathogenic (PMID: 24651605). This variant is not present in population databases (gnomAD no frequency). Disruption of this splice site has been observed in individual(s) with clinical features of NGLY1-related conditions (Invitae). In at least one individual the data is consistent with being in trans (on the opposite chromosome) from a pathogenic variant.

Literature cited by the submitters: PubMed 16199547; PubMed 24651605.